The following is an entry in ClinVar:

ClinVar aggregate classification (germline): Uncertain significance. Review status: criteria provided, multiple submitters, no conflicts (2 of 4 stars). 2 submissions from 2 submitters: Uncertain significance (2). Last evaluated 2025-10-22.

Conditions:
Cystic fibrosis (CF). Also called: MUCOVISCIDOSIS. Identifiers: Orphanet 586, MedGen C0010674, MONDO:0009061, OMIM 219700. Disease mechanism: loss of function.

Allele frequency attached by ClinVar (database versions not stated): TOPMed 0.00002; gnomAD exomes 0.00001; gnomAD 0.00001.
gnomAD v4.1: 14 of 1,613,984 alleles (0.00087%); highest among the groups gnomAD compares: East Asian, 0.0022%; no homozygotes.

Submissions (2):

Labcorp Genetics (formerly Invitae), Labcorp
Classification: Uncertain significance for Cystic fibrosis. Last evaluated: 2025-10-22. Review status: criteria provided, single submitter. Criteria: Invitae Variant Classification Sherloc (09022015). Collection method: clinical testing. Allele origin: germline.
Comment: This sequence change replaces valine, which is neutral and non-polar, with alanine, which is neutral and non-polar, at codon 944 of the CFTR protein (p.Val944Ala). This variant is present in population databases (rs141747560, gnomAD 0.007%). This variant has not been reported in the literature in individuals affected with CFTR-related conditions. ClinVar contains an entry for this variant (Variation ID: 1466388). Invitae Evidence Modeling of protein sequence and biophysical properties (such as structural, functional, and spatial information, amino acid conservation, physicochemical variation, residue mobility, and thermodynamic stability) indicates that this missense variant is not expected to disrupt CFTR protein function with a negative predictive value of 80%. In summary, the available evidence is currently insufficient to determine the role of this variant in disease. Therefore, it has been classified as a Variant of Uncertain Significance.

Ambry Genetics
Classification: Uncertain significance for Cystic fibrosis. Last evaluated: 2023-10-21. Review status: criteria provided, single submitter. Criteria: Ambry Variant Classification Scheme 2023. Collection method: clinical testing. Allele origin: germline.
Comment: The p.V944A variant (also known as c.2831T>C), located in coding exon 17 of the CFTR gene, results from a T to C substitution at nucleotide position 2831. The valine at codon 944 is replaced by alanine, an amino acid with similar properties. This amino acid position is not well conserved in available vertebrate species. In addition, the in silico prediction for this alteration is inconclusive. Since supporting evidence is limited at this time, the clinical significance of this alteration remains unclear.

NM_000492.4(CFTR):c.2831T>C (p.Val944Ala)

Gene: CFTR (CF transmembrane conductance regulator; plus strand). Cytogenetic location: 7q31.2.
Variant type: single nucleotide variant.
Coding change: c.2831T>C on transcript NM_000492.4 (MANE Select); coding-DNA position 2831, T replaced by C.
Protein change: p.Val944Ala; replaces valine 944 with alanine.
Molecular consequence: missense variant.
Genome position (GRCh38, 1-based): chr7:117,603,705, T>C. VCF-style: chr7-117603705-T-C. GRCh37 (hg19) VCF-style: chr7-117243759-T-C.
Other names: c.2831T>C (NM_000492.3); short protein forms V944A.
Identifiers: ClinVar variation 1466388 (VCV001466388.5), dbSNP rs141747560, ClinGen allele CA164960286.